The following is an entry in ClinVar:

ClinVar aggregate classification (germline): Uncertain significance (1 of 4 stars; one submission).

Conditions:
PLXNA2-related disorder. Also called: PLXNA2-related condition.

Submission:

PreventionGenetics, part of Exact Sciences
Classification: Uncertain significance for PLXNA2-related condition. Last evaluated: 2026-06-23. Review status: criteria provided, single submitter. Criteria: ACMG Guidelines, 2015. Collection method: clinical testing. Allele origin: germline.
Comment: The PLXNA2 c.3397_3399delAAC variant is predicted to result in an in-frame deletion (p.Asn1133del). To our knowledge, this variant has not been reported in the literature. This variant is reported in 0.0062% of alleles in individuals of African descent in gnomAD. At this time, the clinical significance of this variant is uncertain due to the absence of conclusive functional and genetic evidence.

NM_025179.4(PLXNA2):c.3397_3399del (p.Asn1133del)

Gene: PLXNA2 (plexin A2; minus strand). Cytogenetic location: 1q32.2.
Variant type: Deletion.
Coding change: c.3397_3399del on transcript NM_025179.4 (MANE Select); coding-DNA positions 3397 to 3399, 3 bases deleted (AAC; older notation c.3397_3399delAAC).
Protein change: p.Asn1133del; deletes asparagine 1133.
Molecular consequence: inframe deletion.
Genome position (GRCh38, 1-based): chr1:208,045,974-208,045,976, GTT deleted on the plus strand (AAC on the coding strand, the reverse complement: PLXNA2 is on the minus strand); deleting any 3 consecutive bases within chr1:208,045,974-208,045,978 gives the same sequence; the c. name uses the placement nearest the transcript's 3' end. VCF-style (leftmost placement, unchanged base first): chr1-208045973-CGTT-C. GRCh37 (hg19) VCF-style: chr1-208219318-CGTT-C.
Other names: short protein forms N1133del.
Identifiers: ClinVar variation 4990616 (VCV004990616.1).